The following is an entry in ClinVar:

NM_001352514.2(HLCS):c.958C>T (p.Gln320Ter)

Gene: HLCS (holocarboxylase synthetase; minus strand). Cytogenetic location: 21q22.13.
Variant type: single nucleotide variant.
Coding change: c.958C>T on transcript NM_001352514.2 (MANE Select); coding-DNA position 958, C replaced by T.
Protein change: p.Gln320Ter; replaces glutamine 320 with a stop codon.
Molecular consequence: nonsense. On other transcripts: non-coding transcript variant (2).
Genome position (GRCh38, 1-based): chr21:36,936,928, G>A on the plus strand (C>T on the coding strand, the complement: HLCS is on the minus strand). VCF-style: chr21-36936928-G-A. GRCh37 (hg19) VCF-style: chr21-38309228-G-A.
Other names: c.517C>T (NM_000411.7); c.517C>T, p.Gln173Ter (NM_000411.8, NM_001242784.3, NM_001242785.2 and 4 more transcripts); short protein forms Q320*, Q173*.
Identifiers: ClinVar variation 2155521 (VCV002155521.8), dbSNP rs1288729804, ClinGen allele CA409912874.

ClinVar aggregate classification (germline): Pathogenic/Likely pathogenic. Review status: criteria provided, multiple submitters, no conflicts (2 of 4 stars). 4 submissions from 4 submitters: Pathogenic (2); Likely pathogenic (2). Last evaluated 2025-10-23.

Conditions:
Holocarboxylase synthetase deficiency. Also called: MULTIPLE CARBOXYLASE DEFICIENCY, EARLY ONSET. Identifiers: Orphanet 79242, MedGen C0268581, MONDO:0009666, OMIM 253270.

Allele frequency attached by ClinVar (database versions not stated): gnomAD exomes below 0.00001.
gnomAD v4.1: 5 of 1,614,146 alleles (0.00031%); highest among the groups gnomAD compares: Admixed American, 0.0017%; no homozygotes.

Submissions (4):

Women's Health and Genetics/Laboratory Corporation of America, LabCorp
Classification: Pathogenic for Holocarboxylase synthetase deficiency. Last evaluated: 2025-10-23. Review status: criteria provided, single submitter. Criteria: LabCorp Variant Classification Summary - May 2015. Collection method: clinical testing. Allele origin: germline.
Comment: Variant summary: HLCS c.517C>T (p.Gln173X) results in a premature termination codon, predicted to cause a truncation of the encoded protein or absence of the protein due to nonsense mediated decay, which are commonly known mechanisms for disease. The variant allele was found at a frequency of 4e-06 in 251326 control chromosomes. To our knowledge, no occurrence of c.517C>T in individuals affected with HLCS-related conditions and no experimental evidence demonstrating its impact on protein function have been reported. ClinVar contains an entry for this variant (Variation ID: 2155521). Based on the evidence outlined above, the variant was classified as pathogenic.

Natera, Inc.
Classification: Likely pathogenic for Holocarboxylase synthetase deficiency. Last evaluated: 2025-05-12. Review status: criteria provided, single submitter. Criteria: Natera Variant Classification Schema (03/2026). Collection method: clinical testing. Allele origin: germline.
Comment: The c.517C>T variant in HLCS is a nonsense variant predicted to introduce a stop codon at amino acid 173. This variant is expected to result in nonsense mediated decay, truncation, or a dysfunctional protein product. This variant is rare in the general population with a frequency below the threshold expected for the associated phenotype(s). Given the available evidence, this variant is classified as Likely Pathogenic.

Fulgent Genetics
Classification: Likely pathogenic for Holocarboxylase synthetase deficiency. Last evaluated: 2024-01-26. Review status: criteria provided, single submitter. Criteria: ACMG Guidelines, 2015. Collection method: clinical testing. Allele origin: germline.

Labcorp Genetics (formerly Invitae), Labcorp
Classification: Pathogenic for Holocarboxylase synthetase deficiency. Last evaluated: 2024-01-12. Review status: criteria provided, single submitter. Criteria: Invitae Variant Classification Sherloc (09022015). Collection method: clinical testing. Allele origin: germline.
Comment: This sequence change creates a premature translational stop signal (p.Gln173*) in the HLCS gene. It is expected to result in an absent or disrupted protein product. Loss-of-function variants in HLCS are known to be pathogenic (PMID: 16134170). This variant is present in population databases (no rsID available, gnomAD 0.003%). This variant has not been reported in the literature in individuals affected with HLCS-related conditions. ClinVar contains an entry for this variant (Variation ID: 2155521). For these reasons, this variant has been classified as Pathogenic.

Literature cited by the submitters: PubMed 16134170 (cited by Labcorp Genetics (formerly Invitae), Labcorp).